The following is an entry in ClinVar:

ClinVar aggregate classification (germline): Uncertain significance (1 of 4 stars; one submission).

Submission:

Labcorp Genetics (formerly Invitae), Labcorp
Classification: Uncertain significance. Last evaluated: 2024-02-21. Review status: criteria provided, single submitter. Criteria: Invitae Variant Classification Sherloc (09022015). Collection method: clinical testing. Allele origin: germline.
Comment: This sequence change replaces threonine, which is neutral and polar, with alanine, which is neutral and non-polar, at codon 531 of the EPHA4 protein (p.Thr531Ala). This variant is not present in population databases (gnomAD no frequency). This variant has not been reported in the literature in individuals affected with EPHA4-related conditions. Advanced modeling of protein sequence and biophysical properties (such as structural, functional, and spatial information, amino acid conservation, physicochemical variation, residue mobility, and thermodynamic stability) performed at Invitae indicates that this missense variant is not expected to disrupt EPHA4 protein function with a negative predictive value of 80%. In summary, the available evidence is currently insufficient to determine the role of this variant in disease. Therefore, it has been classified as a Variant of Uncertain Significance.

NM_004438.5(EPHA4):c.1591A>G (p.Thr531Ala)

Gene: EPHA4 (EPH receptor A4; minus strand). Cytogenetic location: 2q36.1.
Variant type: single nucleotide variant.
Coding change: c.1591A>G on transcript NM_004438.5 (MANE Select); coding-DNA position 1591, A replaced by G.
Protein change: p.Thr531Ala; replaces threonine 531 with alanine.
Molecular consequence: missense variant.
Genome position (GRCh38, 1-based): chr2:221,456,625, T>C on the plus strand (A>G on the coding strand, the complement: EPHA4 is on the minus strand). VCF-style: chr2-221456625-T-C. GRCh37 (hg19) VCF-style: chr2-222321345-T-C.
Other names: c.1591A>G, p.Thr531Ala (NM_001304536.2, NM_001363748.2); c.1438A>G, p.Thr480Ala (NM_001304537.2); short protein forms T531A, T480A.
Identifiers: ClinVar variation 3631034 (VCV003631034.2).
Genomic context (GRCh38, chr2:221,456,625, plus strand): 5'-TTATAAAAATAGCCTCAGAAGTGACTGAGTCTGGGTGGTCCTTGTTACCTGTGTTGGTTG[T>C]AACCTCCAAGGGCTCACTGAAGTCTCCATAGCCAGCTGCTGTCCTGGCTCGCACGTGGAA-3'
Protein context (NP_004429.1, residues 521-541): YGDFSEPLEV[Thr531Ala]TNTVPSRIIG